The following is an entry in ClinVar:

NM_001166108.2(PALLD):c.*60C>A

Genes: CBR4 (carbonyl reductase 4; minus strand), PALLD (palladin, cytoskeletal associated protein; plus strand). Cytogenetic location: 4q32.3.
Variant type: single nucleotide variant.
Coding change: c.*60C>A on transcript NM_001166108.2 (MANE Select); 60 bases downstream of the stop codon, C replaced by A.
Molecular consequence: 3 prime UTR variant. On other transcripts: missense variant (4).
Genome position (GRCh38, 1-based): chr4:168,926,240, C>A. VCF-style: chr4-168926240-C-A. GRCh37 (hg19) VCF-style: chr4-169847391-C-A.
Other names: c.2189C>A, p.Thr730Asn (NM_001166109.2); c.1874C>A, p.Thr625Asn (NM_001166110.2); c.*60C>A (NM_001367567.1, NM_001367570.1, NM_016081.4); c.1265C>A, p.Thr422Asn (NM_001367568.1); c.1214C>A, p.Thr405Asn (NM_001367569.1); short protein forms T730N, T422N, T405N, T625N.
Identifiers: ClinVar variation 3672216 (VCV003672216.2).

ClinVar aggregate classification (germline): Uncertain significance (1 of 4 stars; one submission).

Conditions:
Pancreatic adenocarcinoma. Identifiers: MedGen C0281361, MONDO:0006047, HP:0006725.

Submission:

Labcorp Genetics (formerly Invitae), Labcorp
Classification: Uncertain significance for Pancreatic adenocarcinoma. Last evaluated: 2025-11-03. Review status: criteria provided, single submitter. Criteria: Invitae Variant Classification Sherloc (09022015). Collection method: clinical testing. Allele origin: germline.
Comment: This sequence change replaces threonine, which is neutral and polar, with asparagine, which is neutral and polar, at codon 625 of the PALLD protein (p.Thr625Asn). This variant is not present in population databases (gnomAD no frequency). This variant has not been reported in the literature in individuals affected with PALLD-related conditions. ClinVar contains an entry for this variant (Variation ID: 3672216). An algorithm developed to predict the effect of missense changes on protein structure and function (PolyPhen-2) suggests that this variant is likely to be disruptive. In summary, the available evidence is currently insufficient to determine the role of this variant in disease. Therefore, it has been classified as a Variant of Uncertain Significance.